The following is an entry in ClinVar:

ClinVar aggregate classification (germline): Benign. Review status: criteria provided, multiple submitters, no conflicts (2 of 4 stars). 2 submissions from 2 submitters: Benign (2). Last evaluated 2022-02-23.

Conditions:
MYPN-related myopathy (CMYO24). Also called: Nemaline myopathy 11, autosomal recessive. Identifiers: MedGen C4479186, MONDO:0015023, OMIM 617336.
Dilated cardiomyopathy 1KK (CMD1KK). Identifiers: Orphanet 154, Orphanet 75249, MedGen C3714995, MONDO:0014100, OMIM 615248.

Allele frequency attached by ClinVar (database versions not stated): gnomAD exomes 0.00104 and 0.00173; gnomAD 0.00840 and 0.00900; TOPMed 0.00924; 1000 Genomes Project 0.00998; 1000 Genomes Project 30x 0.01124; ExAC 0.00043.
gnomAD v4.1: 1,595 of 452,758 alleles (0.35%); highest among the groups gnomAD compares: African/African-American, 2.9%; 32 homozygotes.

Submissions (2):

Fulgent Genetics
Classification: Benign for Dilated cardiomyopathy 1KK; MYPN-related myopathy. Last evaluated: 2022-02-23. Review status: criteria provided, single submitter. Criteria: ACMG Guidelines, 2015. Collection method: clinical testing. Allele origin: unknown.

GeneDx
Classification: Benign. Last evaluated: 2014-03-26. Review status: criteria provided, single submitter. Criteria: GeneDx Variant Classification (06012015). Collection method: clinical testing. Allele origin: germline. Affected: yes.
Comment: This variant is considered likely benign or benign based on one or more of the following criteria: it is a conservative change, it occurs at a poorly conserved position in the protein, it is predicted to be benign by multiple in silico algorithms, and/or has population frequency not consistent with disease.

NM_032578.4(MYPN):c.-2+9C>T

Gene: MYPN (myopalladin; plus strand). Cytogenetic location: 10q21.3.
Variant type: single nucleotide variant.
Coding change: c.-2+9C>T on transcript NM_032578.4 (MANE Select); 9 bases into the intron after 2 bases upstream of the start codon, C replaced by T.
Molecular consequence: intron variant.
Genome position (GRCh38, 1-based): chr10:68,109,732, C>T. VCF-style: chr10-68109732-C-T. GRCh37 (hg19) VCF-style: chr10-69869489-C-T.
Other names: c.-2+9C>T (NM_001256267.2); c.-1188+9C>T (NM_001256268.2).
Identifiers: ClinVar variation 138420 (VCV000138420.2), dbSNP rs75716608, ClinGen allele CA333121.